The following is an entry in ClinVar:

NM_015001.3(SPEN):c.6005dup (p.Asn2002fs)

Gene: SPEN (spen family transcriptional repressor; plus strand). Cytogenetic location: 1p36.13.
Variant type: Duplication.
Coding change: c.6005dup on transcript NM_015001.3 (MANE Select); coding-DNA position 6005, one base duplicated (A; older notation c.6005dupA).
Protein change: p.Asn2002fs; shifts the reading frame from asparagine 2002.
Molecular consequence: frameshift variant.
Genome position (GRCh38, 1-based): chr1:15,932,245, A duplicated; the last of 6 consecutive A bases (chr1:15,932,240-15,932,245); duplicating any one gives the same sequence. VCF-style (leftmost placement, unchanged base first): chr1-15932239-G-GA. GRCh37 (hg19) VCF-style: chr1-16258734-G-GA.
Other names: short protein forms N2002fs.
Identifiers: ClinVar variation 4294062 (VCV004294062.1).
Genomic context (GRCh38, chr1:15,932,239, plus strand): 5'-GATGGCGGTCGCCAAGGTCCCAGAAAACTGCAGCTGGTGGTGGACCCCAAGGGAAAAAGG[G>GA]AAAAAATGAACCGAAGGTGGATGCTACACGTCCTGAGGCCACCACTGAGGTGGGCCCCCA-3'

ClinVar aggregate classification (germline): Likely pathogenic (1 of 4 stars; one submission).

Conditions:
Radio-Tartaglia syndrome. Identifiers: Orphanet 662234, MedGen C5543339, MONDO:0859143, OMIM 619312.

Submission:

3billion
Classification: Likely pathogenic for Radio-Tartaglia syndrome. Last evaluated: 2024-06-27. Review status: criteria provided, single submitter. Criteria: ACMG Guidelines, 2015. Collection method: clinical testing. Allele origin: germline. Affected: yes.
Comment: The variant is not observed in the gnomAD v4.0.0 dataset. Predicted Consequence/Location: Frameshift: predicted to result in a loss or disruption of normal protein function through nonsense-mediated decay (NMD) or protein truncation. Multiple pathogenic variants are reported downstream of the variant. Therefore, this variant is classified as Likely pathogenic according to the recommendation of ACMG/AMP guideline.